The following is an entry in ClinVar:

ClinVar aggregate classification (germline): Uncertain significance (1 of 4 stars; one submission).

Conditions:
Autoimmune enteropathy and endocrinopathy - susceptibility to chronic infections syndrome. Also called: Immunodeficiency 31C; Immunodeficiency 31C, autosomal dominant. Identifiers: Orphanet 391487, MedGen C3279990, MONDO:0013599, OMIM 614162.
Immunodeficiency 31B. Also called: STAT1 DEFICIENCY, AUTOSOMAL RECESSIVE; IMMUNODEFICIENCY 31B, MYCOBACTERIAL AND VIRAL INFECTIONS, AUTOSOMAL RECESSIVE. Identifiers: Orphanet 391311, MedGen C3151088, MONDO:0013427, OMIM 613796.
Mendelian susceptibility to mycobacterial diseases due to partial STAT1 deficiency. Also called: IMMUNODEFICIENCY 31A, MYCOBACTERIOSIS, AUTOSOMAL DOMINANT; STAT1 DEFICIENCY, AUTOSOMAL DOMINANT; Immunodeficiency 31a. Identifiers: Orphanet 319595, MedGen C4013950, MONDO:0013956, OMIM 614892.

Submission:

Labcorp Genetics (formerly Invitae), Labcorp
Classification: Uncertain significance for Mendelian susceptibility to mycobacterial diseases due to partial STAT1 deficiency; Immunodeficiency 31B; Autoimmune enteropathy and endocrinopathy - susceptibility to chronic infections syndrome. Last evaluated: 2022-10-13. Review status: criteria provided, single submitter. Criteria: Invitae Variant Classification Sherloc (09022015). Collection method: clinical testing. Allele origin: germline.
Comment: In summary, the available evidence is currently insufficient to determine the role of this variant in disease. Therefore, it has been classified as a Variant of Uncertain Significance. Algorithms developed to predict the effect of missense changes on protein structure and function are either unavailable or do not agree on the potential impact of this missense change (SIFT: "Deleterious"; PolyPhen-2: "Possibly Damaging"; Align-GVGD: "Class C0"). ClinVar contains an entry for this variant (Variation ID: 965789). This variant has not been reported in the literature in individuals affected with STAT1-related conditions. This variant is not present in population databases (gnomAD no frequency). This sequence change replaces aspartic acid, which is acidic and polar, with valine, which is neutral and non-polar, at codon 23 of the STAT1 protein (p.Asp23Val).

NM_007315.4(STAT1):c.68A>T (p.Asp23Val)

Gene: STAT1 (signal transducer and activator of transcription 1; minus strand). Cytogenetic location: 2q32.2.
Variant type: single nucleotide variant.
Coding change: c.68A>T on transcript NM_007315.4 (MANE Select); coding-DNA position 68, A replaced by T.
Protein change: p.Asp23Val; replaces aspartic acid 23 with valine.
Molecular consequence: missense variant.
Genome position (GRCh38, 1-based): chr2:191,009,936, T>A on the plus strand (A>T on the coding strand, the complement: STAT1 is on the minus strand). VCF-style: chr2-191009936-T-A. GRCh37 (hg19) VCF-style: chr2-191874662-T-A.
Other names: c.68A>T, p.Asp23Val (NM_001384880.1, NM_001384882.1, NM_001384883.1 and 8 more transcripts); c.74A>T, p.Asp25Val (NM_001384881.1, NM_001384884.1); short protein forms D23V, D25V.
Identifiers: ClinVar variation 965789 (VCV000965789.9), dbSNP rs1694998227, ClinGen allele CA349928404.